The following is an entry in ClinVar:

NM_020184.4(CNNM4):c.-14A>C

Gene: CNNM4 (cyclin and CBS domain divalent metal cation transport mediator 4; plus strand). Cytogenetic location: 2q11.2.
Variant type: single nucleotide variant.
Coding change: c.-14A>C on transcript NM_020184.4 (MANE Select); 14 bases upstream of the start codon, A replaced by C.
Molecular consequence: 5 prime UTR variant.
Genome position (GRCh38, 1-based): chr2:96,760,986, A>C. VCF-style: chr2-96760986-A-C. GRCh37 (hg19) VCF-style: chr2-97426723-A-C.
Identifiers: ClinVar variation 193424 (VCV000193424.9), dbSNP rs545205153, ClinGen allele CA238952.

ClinVar aggregate classification (germline): Conflicting classifications of pathogenicity. Review status: criteria provided, conflicting classifications (1 of 4 stars). 2 submissions from 2 submitters: Uncertain significance (1); Likely benign (1). Last evaluated 2018-01-13.

Conditions:
Jalili syndrome. Also called: CONE-ROD DYSTROPHY AND AMELOGENESIS IMPERFECTA. Identifiers: Orphanet 1873, MedGen C3495589, MONDO:0009007, OMIM 217080.

Allele frequency attached by ClinVar (database versions not stated): gnomAD 0.00614; 1000 Genomes Project 0.00319; TOPMed 0.00615; 1000 Genomes Project 30x 0.00781.
gnomAD v4.1: 1,179 of 1,095,000 alleles (0.11%); highest among the groups gnomAD compares: African/African-American, 1.8%; 15 homozygotes.

Submissions (2):

Illumina Laboratory Services, Illumina
Classification: Likely benign for Jalili syndrome. Last evaluated: 2018-01-13. Review status: criteria provided, single submitter. Criteria: ICSL Variant Classification Criteria 13 December 2019. Collection method: clinical testing. Allele origin: germline.
Comment: This variant was observed in the ICSL laboratory as part of a predisposition screen in an ostensibly healthy population. It had not been previously curated by ICSL or reported in the Human Gene Mutation Database (HGMD: prior to June 1st, 2018), and was therefore a candidate for classification through an automated scoring system. Utilizing variant allele frequency, disease prevalence and penetrance estimates, and inheritance mode, an automated score was calculated to assess if this variant is too frequent to cause the disease. Based on the score and internal cut-off values, a variant classified as likely benign is not then subjected to further curation. The score for this variant resulted in a classification of likely benign for this disease.

Eurofins Ntd Llc (ga)
Classification: Uncertain significance. Last evaluated: 2014-05-14. Review status: criteria provided, single submitter. Criteria: EGL Classification Definitions 2015. Collection method: clinical testing. Allele origin: germline. Observed: 1 variant allele, 1 heterozygote.